The following is an entry in ClinVar:

NM_001360016.2(G6PD):c.1030G>A (p.Val344Met)

Gene: G6PD (glucose-6-phosphate dehydrogenase; minus strand). Cytogenetic location: Xq28.
Variant type: single nucleotide variant.
Coding change: c.1030G>A on transcript NM_001360016.2 (MANE Select); coding-DNA position 1030, G replaced by A.
Protein change: p.Val344Met; replaces valine 344 with methionine.
Molecular consequence: missense variant.
Genome position (GRCh38, 1-based): chrX:154,532,963, C>T on the plus strand (G>A on the coding strand, the complement: G6PD is on the minus strand). VCF-style: chrX-154532963-C-T. GRCh37 (hg19) VCF-style: chrX-153761178-C-T.
Other names: c.1120G>A, p.Val374Met (NM_000402.4); c.1030G>A, p.Val344Met (NM_001042351.3); short protein forms V344M, V374M.
Identifiers: ClinVar variation 1722604 (VCV001722604.2), dbSNP rs2148329233, ClinGen allele CA415234393.

ClinVar aggregate classification (germline): Likely pathogenic (1 of 4 stars; one submission).

Conditions:
Anemia, nonspherocytic hemolytic, due to G6PD deficiency (CNSHA1). Also called: Hemolytic anemia due to G6PD deficiency; Class I glucose-6-phosphate dehydrogenase deficiency; Favism, susceptibility to; ANEMIA, CONGENITAL, NONSPHEROCYTIC HEMOLYTIC, 1. Identifiers: Orphanet 466026, MedGen C2720289, MONDO:0010480, OMIM 300908.

Submission:

Dunham Lab, University of Washington
Classification: Likely pathogenic for Anemia, nonspherocytic hemolytic, due to G6PD deficiency. Last evaluated: 2022-08-12. Review status: criteria provided, single submitter. Criteria: Bayesian ACMG Guidelines, 2018. Collection method: curation. Allele origin: unknown. Affected: yes.
Comment: Variant found in hemizygotes with G6PD deficiency and jaundice (PP4). Decreased activity in red blood cells (12%) (PS3). Not found in gnomAD (PM2). Post_P 0.949 (odds of pathogenicity 168.4, Prior_P 0.1).

Literature cited by the submitters: PubMed 31863082.